The following is an entry in ClinVar:

NM_000018.4(ACADVL):c.1342G>A (p.Val448Ile)

Gene: ACADVL (acyl-CoA dehydrogenase very long chain; plus strand). Cytogenetic location: 17p13.1.
Variant type: single nucleotide variant.
Coding change: c.1342G>A on transcript NM_000018.4 (MANE Select); coding-DNA position 1342, G replaced by A.
Protein change: p.Val448Ile; replaces valine 448 with isoleucine.
Molecular consequence: missense variant.
Genome position (GRCh38, 1-based): chr17:7,223,977, G>A. VCF-style: chr17-7223977-G-A. GRCh37 (hg19) VCF-style: chr17-7127296-G-A.
Other names: c.1276G>A, p.Val426Ile (NM_001033859.3); c.1411G>A, p.Val471Ile (NM_001270447.2); c.1114G>A, p.Val372Ile (NM_001270448.2); short protein forms V372I, V426I, V448I, V471I.
Identifiers: ClinVar variation 1515254 (VCV001515254.8), dbSNP rs2071353533, ClinGen allele CA397724920.

ClinVar aggregate classification (germline): Uncertain significance (1 of 4 stars; one submission).

Conditions:
Very long chain acyl-CoA dehydrogenase deficiency (ACADVLD). Also called: Very Long-Chain Acyl-Coenzyme A Dehydrogenase Deficiency; VLCAD Deficiency. Identifiers: Orphanet 26793, MedGen C3887523, MONDO:0008723, OMIM 201475.

Allele frequency attached by ClinVar (database versions not stated): gnomAD exomes below 0.00001.
gnomAD v4.1: 1 of 1,613,874 alleles (0.000062%); highest among the groups gnomAD compares: South Asian, 0.0011%; no homozygotes.

Submission:

Labcorp Genetics (formerly Invitae), Labcorp
Classification: Uncertain significance for Very long chain acyl-CoA dehydrogenase deficiency. Last evaluated: 2021-03-09. Review status: criteria provided, single submitter. Criteria: Invitae Variant Classification Sherloc (09022015). Collection method: clinical testing. Allele origin: germline.
Comment: This sequence change replaces valine with isoleucine at codon 448 of the ACADVL protein (p.Val448Ile). The valine residue is highly conserved and there is a small physicochemical difference between valine and isoleucine. This variant is not present in population databases (ExAC no frequency). This variant has not been reported in the literature in individuals with ACADVL-related conditions. Algorithms developed to predict the effect of missense changes on protein structure and function (SIFT, PolyPhen-2, Align-GVGD) all suggest that this variant is likely to be tolerated, but these predictions have not been confirmed by published functional studies and their clinical significance is uncertain. In summary, the available evidence is currently insufficient to determine the role of this variant in disease. Therefore, it has been classified as a Variant of Uncertain Significance.